The following is an entry in ClinVar:

NM_002474.3(MYH11):c.4095C>T (p.His1365=)

Genes: MYH11 (myosin heavy chain 11; minus strand), NDE1 (nudE neurodevelopment protein 1; plus strand). Cytogenetic location: 16p13.11.
Variant type: single nucleotide variant.
Coding change: c.4095C>T on transcript NM_002474.3 (MANE Select); coding-DNA position 4095, C replaced by T.
Protein change: p.His1365=; no amino-acid change (histidine 1365 retained).
Molecular consequence: synonymous variant. On other transcripts: 3 prime UTR variant (2).
Genome position (GRCh38, 1-based): chr16:15,724,668, G>A on the plus strand (C>T on the coding strand, the complement: MYH11 is on the minus strand). VCF-style: chr16-15724668-G-A. GRCh37 (hg19) VCF-style: chr16-15818525-G-A.
Other names: p.H1365H:CAC>CAT; c.4116C>T, p.His1372= (NM_001040113.2, NM_001040114.2); c.4095C>T, p.His1365= (NM_022844.3); c.*417G>A (NM_001143979.2, NM_017668.3).
Identifiers: ClinVar variation 138339 (VCV000138339.26), dbSNP rs374454281, ClinGen allele CA292297.

ClinVar aggregate classification (germline): Benign/Likely benign. Review status: criteria provided, multiple submitters, no conflicts (2 of 4 stars). 9 submissions from 9 submitters: Benign (2); Likely benign (6). 1 of the submissions does not count toward it. Last evaluated 2025-12-31.

Conditions:
MYH11-related disorder. Also called: MYH11-related condition.
Familial thoracic aortic aneurysm and aortic dissection (TAAD). Also called: Thoracic aortic aneurysms and dissections. Identifiers: Orphanet 91387, MedGen C4707243, MONDO:0019625.
Aortic aneurysm, familial thoracic 4 (AAT4). Also called: AORTIC ANEURYSM/AORTIC DISSECTION AND PATENT DUCTUS ARTERIOSUS. Identifiers: MedGen C1851504, MONDO:0007568, OMIM 132900.

Allele frequency attached by ClinVar (database versions not stated): gnomAD exomes 0.00007 and 0.00024; ESP Exome Variant Server 0.00008; gnomAD 0.00009 and 0.00011; ExAC 0.00010; TOPMed 0.00013.
gnomAD v4.1: 366 of 1,614,092 alleles (0.023%); highest among the groups gnomAD compares: Non-Finnish European, 0.029%; no homozygotes.

Submissions (9):

Labcorp Genetics (formerly Invitae), Labcorp
Classification: Likely benign for Aortic aneurysm, familial thoracic 4. Last evaluated: 2025-12-31. Review status: criteria provided, single submitter. Criteria: Invitae Variant Classification Sherloc (09022015). Collection method: clinical testing. Allele origin: germline.

Blueprint Genetics
Classification: Likely benign. Last evaluated: 2024-06-27. Review status: criteria provided, single submitter. Criteria: ACMG Guidelines, 2015. Collection method: clinical testing. Allele origin: germline.

Women's Health and Genetics/Laboratory Corporation of America, LabCorp
Classification: Benign. Last evaluated: 2024-05-26. Review status: criteria provided, single submitter. Criteria: LabCorp Variant Classification Summary - May 2015. Collection method: clinical testing. Allele origin: germline.

All of Us Research Program, National Institutes of Health
Classification: Likely benign for Familial thoracic aortic aneurysm and aortic dissection. Last evaluated: 2024-02-05. Review status: criteria provided, single submitter. Criteria: ACMG Guidelines, 2015. Collection method: clinical testing. Allele origin: germline. Inheritance: Autosomal dominant inheritance. Observed: 37 variant alleles, 37 heterozygotes.
Comment: This study involves interpretation of variants in research participants for the purpose of population health screening. Participant phenotype was not available at the time of variant classification. Additional details can be found in publication PMID: 35346344, PMCID: PMC8962531

CHEO Genetics Diagnostic Laboratory, Children's Hospital of Eastern Ontario
Classification: Likely benign for Familial thoracic aortic aneurysm and aortic dissection. Last evaluated: 2021-02-23. Review status: criteria provided, single submitter. Criteria: ACMG Guidelines, 2015. Collection method: clinical testing. Allele origin: germline.

Color Diagnostics, LLC DBA Color Health
Classification: Likely benign for Familial thoracic aortic aneurysm and aortic dissection. Last evaluated: 2018-10-21. Review status: criteria provided, single submitter. Criteria: ACMG Guidelines, 2015. Collection method: clinical testing. Allele origin: germline.

Ambry Genetics
Classification: Likely benign for Familial thoracic aortic aneurysm and aortic dissection. Last evaluated: 2018-04-11. Review status: criteria provided, single submitter. Criteria: Ambry Variant Classification Scheme 2023. Collection method: clinical testing. Allele origin: germline.

GeneDx
Classification: Benign. Last evaluated: 2014-06-02. Review status: criteria provided, single submitter. Criteria: GeneDx Variant Classification (06012015). Collection method: clinical testing. Allele origin: germline. Affected: yes.
Comment: This variant is considered likely benign or benign based on one or more of the following criteria: it is a conservative change, it occurs at a poorly conserved position in the protein, it is predicted to be benign by multiple in silico algorithms, and/or has population frequency not consistent with disease.

PreventionGenetics, part of Exact Sciences
Classification: Likely benign for MYH11-related condition. Last evaluated: 2021-04-27. Review status: no assertion criteria provided. Collection method: clinical testing. Allele origin: germline. Not counted in ClinVar's aggregate classification.
Comment: This variant is classified as likely benign based on ACMG/AMP sequence variant interpretation guidelines (Richards et al. 2015 PMID: 25741868, with internal and published modifications).